The following is an entry in ClinVar:

ClinVar aggregate classification (germline): Uncertain significance (1 of 4 stars; one submission).

Conditions:
Niemann-Pick disease, type C1. Also called: NIEMANN-PICK DISEASE, VARIANT TYPE C1; NEUROVISCERAL STORAGE DISEASE WITH VERTICAL SUPRANUCLEAR OPHTHALMOPLEGIA; NIEMANN-PICK DISEASE WITH CHOLESTEROL ESTERIFICATION BLOCK; NIEMANN-PICK DISEASE WITHOUT SPHINGOMYELINASE DEFICIENCY; NIEMANN-PICK DISEASE, CHRONIC NEURONOPATHIC FORM. Identifiers: Orphanet 646, MedGen C3179455, MONDO:0009757, OMIM 257220.

Allele frequency attached by ClinVar (database versions not stated): gnomAD exomes below 0.00001; gnomAD 0.00001.
gnomAD v4.1: 3 of 1,613,782 alleles (0.00019%); highest among the groups gnomAD compares: African/African-American, 0.004%; no homozygotes.

Submission:

Labcorp Genetics (formerly Invitae), Labcorp
Classification: Uncertain significance for Niemann-Pick disease, type C1. Last evaluated: 2023-12-11. Review status: criteria provided, single submitter. Criteria: Invitae Variant Classification Sherloc (09022015). Collection method: clinical testing. Allele origin: germline.
Comment: This sequence change replaces aspartic acid, which is acidic and polar, with glycine, which is neutral and non-polar, at codon 128 of the NPC1 protein (p.Asp128Gly). This variant is not present in population databases (gnomAD no frequency). This variant has not been reported in the literature in individuals affected with NPC1-related conditions. ClinVar contains an entry for this variant (Variation ID: 2093092). Advanced modeling of protein sequence and biophysical properties (such as structural, functional, and spatial information, amino acid conservation, physicochemical variation, residue mobility, and thermodynamic stability) performed at Invitae indicates that this missense variant is not expected to disrupt NPC1 protein function with a negative predictive value of 95%. In summary, the available evidence is currently insufficient to determine the role of this variant in disease. Therefore, it has been classified as a Variant of Uncertain Significance.

NM_000271.5(NPC1):c.383A>G (p.Asp128Gly)

Gene: NPC1 (NPC intracellular cholesterol transporter 1; minus strand). Cytogenetic location: 18q11.2.
Variant type: single nucleotide variant.
Coding change: c.383A>G on transcript NM_000271.5 (MANE Select); coding-DNA position 383, A replaced by G.
Protein change: p.Asp128Gly; replaces aspartic acid 128 with glycine.
Molecular consequence: missense variant.
Genome position (GRCh38, 1-based): chr18:23,568,903, T>C on the plus strand (A>G on the coding strand, the complement: NPC1 is on the minus strand). VCF-style: chr18-23568903-T-C. GRCh37 (hg19) VCF-style: chr18-21148867-T-C.
Other names: short protein forms D128G.
Identifiers: ClinVar variation 2093092 (VCV002093092.2), dbSNP rs2059163907, ClinGen allele CA401785285.